The following is an entry in ClinVar:

NM_001379500.1(COL18A1):c.367del (p.Gly122_Val123insTer)

Gene: COL18A1 (collagen type XVIII alpha 1 chain; plus strand). Cytogenetic location: 21q22.3.
Variant type: Deletion.
Coding change: c.367del on transcript NM_001379500.1 (MANE Select); coding-DNA position 367, one base deleted (G; older notation c.367delG).
Protein change: p.Gly122_Val123insTer.
Molecular consequence: nonsense.
Genome position (GRCh38, 1-based): chr21:45,468,502, G deleted. VCF-style (leftmost placement, unchanged base first): chr21-45468501-CG-C. GRCh37 (hg19) VCF-style: chr21-46888415-CG-C.
Other names: c.907del, p.Gly302_Val303insTer (NM_030582.4); c.1612del, p.Gly537_Val538insTer (NM_130444.3).
Identifiers: ClinVar variation 1366539 (VCV001366539.6), dbSNP rs2145890527, ClinGen allele CA2573157438.

ClinVar aggregate classification (germline): Pathogenic (1 of 4 stars; one submission).

Submission:

Labcorp Genetics (formerly Invitae), Labcorp
Classification: Pathogenic. Last evaluated: 2025-04-16. Review status: criteria provided, single submitter. Criteria: Invitae Variant Classification Sherloc (09022015). Collection method: clinical testing. Allele origin: germline.
Comment: This sequence change creates a premature translational stop signal (p.Val123*) in the COL18A1 gene. It is expected to result in an absent or disrupted protein product. Loss-of-function variants in COL18A1 are known to be pathogenic (PMID: 12415512, 25456301). This variant is not present in population databases (gnomAD no frequency). This variant has not been reported in the literature in individuals affected with COL18A1-related conditions. ClinVar contains an entry for this variant (Variation ID: 1366539). For these reasons, this variant has been classified as Pathogenic.

Literature cited by the submitters: PubMed 12415512; PubMed 25456301.